The following is an entry in ClinVar:

ClinVar aggregate classification (germline): Uncertain significance (1 of 4 stars; one submission).

Allele frequency attached by ClinVar (database versions not stated): ExAC 0.00001; gnomAD 0.00001; gnomAD exomes 0.00001; TOPMed 0.00001.

Submission:

Labcorp Genetics (formerly Invitae), Labcorp
Classification: Uncertain significance. Last evaluated: 2022-08-09. Review status: criteria provided, single submitter. Criteria: Invitae Variant Classification Sherloc (09022015). Collection method: clinical testing. Allele origin: germline.
Comment: Algorithms developed to predict the effect of missense changes on protein structure and function (SIFT, PolyPhen-2, Align-GVGD) all suggest that this variant is likely to be disruptive. ClinVar contains an entry for this variant (Variation ID: 958763). This variant has not been reported in the literature in individuals affected with RBP3-related conditions. This variant is present in population databases (rs782815857, gnomAD 0.004%). This sequence change replaces arginine, which is basic and polar, with tryptophan, which is neutral and slightly polar, at codon 1114 of the RBP3 protein (p.Arg1114Trp). In summary, the available evidence is currently insufficient to determine the role of this variant in disease. Therefore, it has been classified as a Variant of Uncertain Significance.

NM_002900.3(RBP3):c.3340C>T (p.Arg1114Trp)

Gene: RBP3 (retinol binding protein 3; plus strand). Cytogenetic location: 10q11.22.
Variant type: single nucleotide variant.
Coding change: c.3340C>T on transcript NM_002900.3 (MANE Select); coding-DNA position 3340, C replaced by T.
Protein change: p.Arg1114Trp; replaces arginine 1114 with tryptophan.
Molecular consequence: missense variant.
Genome position (GRCh38, 1-based): chr10:47,355,470, C>T. VCF-style: chr10-47355470-C-T. GRCh37 (hg19) VCF-style: chr10-48383892-G-A.
Other names: short protein forms R1114W.
Identifiers: ClinVar variation 958763 (VCV000958763.9), dbSNP rs782815857, ClinGen allele CA5487078.